The following is an entry in ClinVar:

ClinVar aggregate classification (germline): Pathogenic (1 of 4 stars; one submission).

Conditions:
Myopathy with tubular aggregates (TAM). Also called: Tubular Aggregate Myopathy. Identifiers: Orphanet 2593, MedGen C0410207, MONDO:0008051.
Stormorken syndrome (STRMK). Also called: THROMBOCYTOPATHY, ASPLENIA, AND MIOSIS. Identifiers: Orphanet 3204, MedGen C1861451, MONDO:0008497, OMIM 185070.
Combined immunodeficiency due to STIM1 deficiency. Also called: IMMUNODEFICIENCY 10; STIM1 DEFICIENCY. Identifiers: Orphanet 169090, Orphanet 317430, MedGen C2748557, MONDO:0013008, OMIM 612783.

Submission:

Labcorp Genetics (formerly Invitae), Labcorp
Classification: Pathogenic for Myopathy with tubular aggregates; Combined immunodeficiency due to STIM1 deficiency; Stormorken syndrome. Last evaluated: 2019-12-08. Review status: criteria provided, single submitter. Criteria: Invitae Variant Classification Sherloc (09022015). Collection method: clinical testing. Allele origin: germline.
Comment: For these reasons, this variant has been classified as Pathogenic. Loss-of-function variants in STIM1 are known to be pathogenic (PMID: 19420366, 20876309). This variant has not been reported in the literature in individuals with STIM1-related conditions. This variant is an out-of-frame deletion of the genomic region encompassing exon 5 of the STIM1 gene. This is expected to create a premature translational stop signal and result in an absent or disrupted protein product.

Literature cited by the submitters: PubMed 19420366; PubMed 20876309.

NC_000011.10:g.(?_4059271)_(4059406_?)del

Gene: STIM1 (stromal interaction molecule 1; plus strand). Cytogenetic location: 11p15.4.
Variant type: Deletion.
Identifiers: ClinVar variation 832877 (VCV000832877.6).